The following is an entry in ClinVar:

ClinVar aggregate classification (germline): Uncertain significance (1 of 4 stars; one submission).

Allele frequency attached by ClinVar (database versions not stated): gnomAD exomes 0.00001 and 0.00002.
gnomAD v4.1: 6 of 1,609,068 alleles (0.00037%); highest among the groups gnomAD compares: Admixed American, 0.005%; no homozygotes.

Submission:

Labcorp Genetics (formerly Invitae), Labcorp
Classification: Uncertain significance. Last evaluated: 2022-02-25. Review status: criteria provided, single submitter. Criteria: Invitae Variant Classification Sherloc (09022015). Collection method: clinical testing. Allele origin: germline.
Comment: In summary, the available evidence is currently insufficient to determine the role of this variant in disease. Therefore, it has been classified as a Variant of Uncertain Significance. Variants that disrupt the consensus splice site are a relatively common cause of aberrant splicing (PMID: 17576681, 9536098). Algorithms developed to predict the effect of sequence changes on RNA splicing suggest that this variant is not likely to affect RNA splicing. This variant has not been reported in the literature in individuals affected with POLE2-related conditions. This variant is present in population databases (no rsID available, gnomAD 0.01%). This sequence change falls in intron 14 of the POLE2 gene. It does not directly change the encoded amino acid sequence of the POLE2 protein. It affects a nucleotide within the consensus splice site.

Literature cited by the submitters: PubMed 17576681; PubMed 9536098.

NM_002692.4(POLE2):c.1133+5G>A

Gene: POLE2 (DNA polymerase epsilon 2, accessory subunit; minus strand). Cytogenetic location: 14q21.3.
Variant type: single nucleotide variant.
Coding change: c.1133+5G>A on transcript NM_002692.4 (MANE Select); 5 bases into the intron after coding-DNA position 1133, G replaced by A.
Molecular consequence: intron variant.
Genome position (GRCh38, 1-based): chr14:49,654,150, C>T on the plus strand (G>A on the coding strand, the complement: POLE2 is on the minus strand). VCF-style: chr14-49654150-C-T. GRCh37 (hg19) VCF-style: chr14-50120868-C-T.
Other names: c.1055+5G>A (NM_001197330.2); c.1130+5G>A (NM_001348384.2); c.902+5G>A (NM_001348385.2); c.1133+5G>A (NM_001197331.3).
Identifiers: ClinVar variation 1382631 (VCV001382631.6), dbSNP rs892587226, ClinGen allele CA260655850.